The following is an entry in ClinVar:

NM_000038.6(APC):c.6168C>T (p.Leu2056=)

Gene: APC (APC regulator of Wnt signaling pathway; plus strand). Cytogenetic location: 5q22.2.
Variant type: single nucleotide variant.
Coding change: c.6168C>T on transcript NM_000038.6 (MANE Select); coding-DNA position 6168, C replaced by T.
Protein change: p.Leu2056=; no amino-acid change (leucine 2056 retained).
Molecular consequence: synonymous variant. On other transcripts: non-coding transcript variant (2).
Genome position (GRCh38, 1-based): chr5:112,841,762, C>T. VCF-style: chr5-112841762-C-T. GRCh37 (hg19) VCF-style: chr5-112177459-C-T.
Other names: c.6168C>T, p.Leu2056= (NM_001127510.3, NM_001354895.2, NM_001407450.1); c.6114C>T, p.Leu2038= (NM_001127511.3); c.6222C>T, p.Leu2074= (NM_001354896.2, NM_001407447.1, NM_001407448.1 and 1 more transcripts); c.6198C>T, p.Leu2066= (NM_001354897.2); c.6093C>T, p.Leu2031= (NM_001354898.2); c.6084C>T, p.Leu2028= (NM_001354899.2); c.6045C>T, p.Leu2015= (NM_001354900.2); c.5991C>T, p.Leu1997= (NM_001354901.2, NM_001407453.1); and 11 more.
Identifiers: ClinVar variation 2153807 (VCV002153807.5), dbSNP rs878853461, ClinGen allele CA446209254.

ClinVar aggregate classification (germline): Benign/Likely benign. Review status: criteria provided, multiple submitters, no conflicts (2 of 4 stars). 2 submissions from 2 submitters: Benign (1); Likely benign (1). Last evaluated 2024-04-03.

Conditions:
Familial adenomatous polyposis 1 (FAP1). Also called: POLYPOSIS, ADENOMATOUS INTESTINAL; FAMILIAL ADENOMATOUS POLYPOSIS 1, ATTENUATED. Identifiers: MedGen C2713442, MONDO:0021056, OMIM 175100. Disease mechanism: loss of function.

Submissions (2):

Myriad Genetics, Inc.
Classification: Benign for Familial adenomatous polyposis 1. Last evaluated: 2024-04-03. Review status: criteria provided, single submitter. Criteria: Myriad Autosomal Dominant, Autosomal Recessive and X-Linked Classification Criteria (2023). Collection method: clinical testing. Allele origin: unknown.
Comment: This variant is considered benign. This variant is a silent/synonymous amino acid change and it is not expected to impact splicing.

Labcorp Genetics (formerly Invitae), Labcorp
Classification: Likely benign for Familial adenomatous polyposis 1. Last evaluated: 2022-08-07. Review status: criteria provided, single submitter. Criteria: Invitae Variant Classification Sherloc (09022015). Collection method: clinical testing. Allele origin: germline.